The following is an entry in ClinVar:

ClinVar aggregate classification (germline): Pathogenic/Likely pathogenic. Review status: criteria provided, multiple submitters, no conflicts (2 of 4 stars). 2 submissions from 2 submitters: Pathogenic (1); Likely pathogenic (1). Last evaluated 2026-06-08.

Conditions:
RASopathy. Also called: rasopathies; Noonan spectrum disorder. Identifiers: Orphanet 536391, MedGen C5555857, MONDO:0021060.
Cardiofaciocutaneous syndrome 2 (CFC2). Also called: KRAS-Related Cardiofaciocutaneous Syndrome. Identifiers: Orphanet 1340, MedGen C3809005, MONDO:0014112, OMIM 615278.
Noonan syndrome 3 (NS3). Also called: KRAS-Related Noonan Syndrome. Identifiers: Orphanet 648, MedGen C1860991, MONDO:0012371, OMIM 609942.

Submissions (2):

Department of Molecular Genetics, Istishari Arab Hospital
Classification: Likely pathogenic for Cardiofaciocutaneous syndrome 2; Noonan syndrome 3. Last evaluated: 2026-06-08. Review status: criteria provided, single submitter. Criteria: ACMG Guidelines, 2015. Collection method: clinical testing. Allele origin: germline. Inheritance: Autosomal dominant inheritance. Affected: yes.
Comment: The KRAS variant c.204G>C, p.Arg68Ser causes an amino acid change from Arg to Ser at position 68 in exon 3 (out of 5 exons). The variant is not observed in the gnomAD v4.1.0 dataset. This variant was previously reported in fetuses with structural anomalies (PMID: 31974414). It is classified as likely pathogenic based on ACMG/AMP/ClinGen SVI guidelines.

Labcorp Genetics (formerly Invitae), Labcorp
Classification: Pathogenic for RASopathy. Last evaluated: 2025-08-18. Review status: criteria provided, single submitter. Criteria: Invitae Variant Classification Sherloc (09022015). Collection method: clinical testing. Allele origin: germline.
Comment: This sequence change replaces arginine, which is basic and polar, with serine, which is neutral and polar, at codon 68 of the KRAS protein (p.Arg68Ser). This variant is not present in population databases (gnomAD no frequency). This missense change has been observed in individual(s) with clinical features of KRAS-related conditions (PMID: 31974414). In at least one individual the variant was observed to be de novo. Invitae Evidence Modeling of protein sequence and biophysical properties (such as structural, functional, and spatial information, amino acid conservation, physicochemical variation, residue mobility, and thermodynamic stability) indicates that this missense variant is expected to disrupt KRAS protein function with a positive predictive value of 95%. This variant disrupts the p.Arg68 amino acid residue in KRAS. Other variant(s) that disrupt this residue have been determined to be pathogenic (internal data). This suggests that this residue is clinically significant, and that variants that disrupt this residue are likely to be disease-causing. For these reasons, this variant has been classified as Pathogenic.

Literature cited by the submitters: PubMed 31974414 (cited by Department of Molecular Genetics, Istishari Arab Hospital and Labcorp Genetics (formerly Invitae), Labcorp).

NM_004985.5(KRAS):c.204G>C (p.Arg68Ser)

Gene: KRAS (KRas proto-oncogene, GTPase; minus strand). Cytogenetic location: 12p12.1.
Variant type: single nucleotide variant.
Coding change: c.204G>C on transcript NM_004985.5 (MANE Select); coding-DNA position 204, G replaced by C.
Protein change: p.Arg68Ser; replaces arginine 68 with serine.
Molecular consequence: missense variant.
Genome position (GRCh38, 1-based): chr12:25,227,320, C>G on the plus strand (G>C on the coding strand, the complement: KRAS is on the minus strand). VCF-style: chr12-25227320-C-G. GRCh37 (hg19) VCF-style: chr12-25380254-C-G.
Other names: p.Arg68Ser; c.204G>C, p.Arg68Ser (NM_001369786.1, NM_001369787.1, NM_033360.4); short protein forms R68S.
Identifiers: ClinVar variation 4698285 (VCV004698285.2).
Genomic context (GRCh38, chr12:25,227,320, plus strand): 5'-TTTAGTATTATTTATGGCAAATACACAAAGAAAGCCCTCCCCAGTCCTCATGTACTGGTC[C>G]CTCATTGCACTGTACTCCTCTTGACCTGCTGTGTCGAGAATATCCAAGAGACAGGTTTCT-3'
Protein context (NP_004976.2, residues 58-78): TAGQEEYSAM[Arg68Ser]DQYMRTGEGF